The following is an entry in ClinVar:

ClinVar aggregate classification (germline): Uncertain significance (1 of 4 stars; one submission).

Conditions:
Gorlin syndrome. Also called: Nevoid Basal Cell Carcinoma Syndrome; Basal cell nevus syndrome. Identifiers: Orphanet 377, MedGen C0004779, MONDO:0007187.

Submission:

Labcorp Genetics (formerly Invitae), Labcorp
Classification: Uncertain significance for Gorlin syndrome. Last evaluated: 2020-11-17. Review status: criteria provided, single submitter. Criteria: Invitae Variant Classification Sherloc (09022015). Collection method: clinical testing. Allele origin: germline.
Comment: This sequence change replaces asparagine with lysine at codon 120 of the PTCH1 protein (p.Asn120Lys). The asparagine residue is moderately conserved and there is a moderate physicochemical difference between asparagine and lysine. In summary, the available evidence is currently insufficient to determine the role of this variant in disease. Therefore, it has been classified as a Variant of Uncertain Significance. Advanced modeling of protein sequence and biophysical properties (such as structural, functional, and spatial information, amino acid conservation, physicochemical variation, residue mobility, and thermodynamic stability) performed at Invitae indicates that this missense variant is not expected to disrupt PTCH1 protein function. This variant has not been reported in the literature in individuals with PTCH1-related conditions. This variant is not present in population databases (ExAC no frequency).

NM_000264.5(PTCH1):c.360C>G (p.Asn120Lys)

Gene: PTCH1 (patched 1; minus strand). Cytogenetic location: 9q22.32.
Variant type: single nucleotide variant.
Coding change: c.360C>G on transcript NM_000264.5 (MANE Select); coding-DNA position 360, C replaced by G.
Protein change: p.Asn120Lys; replaces asparagine 120 with lysine.
Molecular consequence: missense variant. On other transcripts: non-coding transcript variant (1), 5 prime UTR variant (4).
Genome position (GRCh38, 1-based): chr9:95,506,441, G>C on the plus strand (C>G on the coding strand, the complement: PTCH1 is on the minus strand). VCF-style: chr9-95506441-G-C. GRCh37 (hg19) VCF-style: chr9-98268723-G-C.
Other names: c.162C>G, p.Asn54Lys (NM_001083602.3, NM_001354919.2); c.357C>G, p.Asn119Lys (NM_001083603.3); c.-94C>G (NM_001083604.3, NM_001083605.3, NM_001083606.3 and 1 more transcripts); c.360C>G, p.Asn120Lys (NM_001354918.2); short protein forms N119K, N120K, N54K.
Identifiers: ClinVar variation 1414787 (VCV001414787.8), dbSNP rs1327411160, ClinGen allele CA374120202.